The following is an entry in ClinVar:

NM_005862.3(STAG1):c.3068A>T (p.His1023Leu)

Gene: STAG1 (STAG1 cohesin complex component; minus strand). Cytogenetic location: 3q22.3.
Variant type: single nucleotide variant.
Coding change: c.3068A>T on transcript NM_005862.3 (MANE Select); coding-DNA position 3068, A replaced by T.
Protein change: p.His1023Leu; replaces histidine 1023 with leucine.
Molecular consequence: missense variant.
Genome position (GRCh38, 1-based): chr3:136,349,361, T>A on the plus strand (A>T on the coding strand, the complement: STAG1 is on the minus strand). VCF-style: chr3-136349361-T-A. GRCh37 (hg19) VCF-style: chr3-136068203-T-A.
Other names: short protein forms H1023L.
Identifiers: ClinVar variation 2571961 (VCV002571961.1), dbSNP rs2530051248, ClinGen allele CA354642963.

ClinVar aggregate classification (germline): Uncertain significance (1 of 4 stars; one submission).

Submission:

GeneDx
Classification: Uncertain significance. Last evaluated: 2023-01-10. Review status: criteria provided, single submitter. Criteria: GeneDx Variant Classification Process June 2021. Collection method: clinical testing. Allele origin: germline. Affected: yes.
Comment: Not observed at significant frequency in large population cohorts (gnomAD); In silico analysis supports that this missense variant does not alter protein structure/function; Has not been previously published as pathogenic or benign to our knowledge